The following is an entry in ClinVar:

NM_007194.4(CHEK2):c.346G>A (p.Gly116Arg)

Gene: CHEK2 (checkpoint kinase 2; minus strand). Cytogenetic location: 22q12.1.
Variant type: single nucleotide variant.
Coding change: c.346G>A on transcript NM_007194.4 (MANE Select); coding-DNA position 346, G replaced by A.
Protein change: p.Gly116Arg; replaces glycine 116 with arginine.
Molecular consequence: missense variant.
Genome position (GRCh38, 1-based): chr22:28,725,341, C>T on the plus strand (G>A on the coding strand, the complement: CHEK2 is on the minus strand). VCF-style: chr22-28725341-C-T. GRCh37 (hg19) VCF-style: chr22-29121329-C-T.
Other names: c.475G>A, p.Gly159Arg (NM_001005735.3); c.-432G>A (NM_001257387.3); c.346G>A, p.Gly116Arg (NM_001349956.3, NM_145862.3); c.346G>A (NM_007194.3); short protein forms G116R, G159R.
Identifiers: ClinVar variation 2683799 (VCV002683799.3), dbSNP rs2146071181, ClinGen allele CA411108203.

ClinVar aggregate classification (germline): Conflicting classifications of pathogenicity. Review status: criteria provided, conflicting classifications (1 of 4 stars). 3 submissions from 3 submitters: Likely pathogenic (2); Uncertain significance (1). Last evaluated 2026-07-21.

Conditions:
Hereditary cancer-predisposing syndrome. Also called: Hereditary neoplastic syndrome; Hereditary Cancer Syndrome; Neoplastic Syndromes, Hereditary; Tumor predisposition. Identifiers: Orphanet 140162, MedGen C0027672, MeSH D009386, MONDO:0015356.
Hereditary breast ovarian cancer syndrome. Also called: Hereditary breast and ovarian cancer syndrome (HBOC); BRCA1- and BRCA2-Associated Hereditary Breast and Ovarian Cancer; Hereditary breast and ovarian cancer syndrome; Breast and ovarian cancer; Hereditary breast and ovarian cancer; Hereditary breast and/or ovarian cancer syndrome. Identifiers: Orphanet 145, MedGen C0677776, MeSH D061325, MONDO:0003582. Disease mechanism: loss of function.

Submissions (3):

Ambry Genetics
Classification: Likely pathogenic for Hereditary cancer-predisposing syndrome. Last evaluated: 2026-07-21. Review status: criteria provided, single submitter. Criteria: Ambry Variant Classification Scheme 2023. Collection method: clinical testing. Allele origin: germline.
Comment: The p.G116R variant (also known as c.346G>A), located in coding exon 2 of the CHEK2 gene, results from a G to A substitution at nucleotide position 346. The glycine at codon 116 is replaced by arginine, an amino acid with dissimilar properties. This variant was reported as functionally impaired in a study assessing CHEK2-complementation through quantification of KAP1 phosphorylation and CHK2 autophosphorylation in human RPE1-CHEK2-knockout cells (Stolarova L et al. Clin Cancer Res, 2023 Aug;29:3037-3050). This variant is considered to be rare based on population cohorts in the Genome Aggregation Database (gnomAD). This amino acid position is highly conserved in available vertebrate species. In addition, this alteration is predicted to be deleterious by in silico analysis. Based on the majority of available evidence to date, this variant is likely to be pathogenic.

GeneDx
Classification: Uncertain significance. Last evaluated: 2025-07-14. Review status: criteria provided, single submitter. Criteria: GeneDx Variant Classification Process June 2021. Collection method: clinical testing. Allele origin: germline. Affected: yes.
Comment: Not observed at significant frequency in large population cohorts (gnomAD); In silico analysis supports that this missense variant has a deleterious effect on protein structure/function; Has not been previously published as pathogenic or benign to our knowledge; This variant is associated with the following publications: (PMID: 22419737, 19782031, 37449874)

German Consortium for Hereditary Breast and Ovarian Cancer, University Hospital Cologne
Classification: Likely pathogenic for Hereditary breast ovarian cancer syndrome. Last evaluated: 2023-10-12. Review status: criteria provided, single submitter. Criteria: ACMG Guidelines, 2015. Collection method: curation. Allele origin: germline.
Comment: Located in FHA domain, Loss of function in both assays applied by Stolarova et al.,PS3, Prediction deleterious PP3_sup, not in gnomAD PM2_sup. According to the ACMG standard criteria we chose these criteria: PS3 (strong pathogenic): Stolarova et. al. loss of function, PM2 (supporting pathogenic): not in gnomAD, PP3 (supporting pathogenic): Prediction mainly deleterious

Literature cited by the submitters: PubMed 37449874 (cited by Ambry Genetics); PubMed 39146382 (cited by Ambry Genetics).